The following is an entry in ClinVar:

ClinVar aggregate classification (germline): Uncertain significance (1 of 4 stars; one submission).

Submission:

Ambry Genetics
Classification: Uncertain significance. Last evaluated: 2025-12-30. Review status: criteria provided, single submitter. Criteria: Ambry Variant Classification Scheme 2023. Collection method: clinical testing. Allele origin: germline.
Comment: The c.406G>C (p.V136L) alteration is located in exon 1 (coding exon 1) of the PPIAL4E gene. This alteration results from a G to C substitution at nucleotide position 406, causing the valine (V) at amino acid position 136 to be replaced by a leucine (L). Based on data from gnomAD, the C allele has an overall frequency of 0.003% (2/59126) total alleles studied. The highest observed frequency was 0.008% (2/25150) of European (non-Finnish) alleles. Based on insufficient or conflicting evidence, the clinical significance of this alteration remains unclear.

NM_001144032.3(PPIAL4E):c.406G>C (p.Val136Leu)

Gene: PPIAL4E (peptidylprolyl isomerase A like 4E; minus strand). Cytogenetic location: 1q21.1.
Variant type: single nucleotide variant.
Coding change: c.406G>C on transcript NM_001144032.3 (MANE Select); coding-DNA position 406, G replaced by C.
Protein change: p.Val136Leu; replaces valine 136 with leucine.
Molecular consequence: missense variant.
Genome position (GRCh38, 1-based): chr1:144,373,179, C>G on the plus strand (G>C on the coding strand, the complement: PPIAL4E is on the minus strand). VCF-style: chr1-144373179-C-G. GRCh37 (hg19) VCF-style: chr1-148644491-G-C.
Other names: short protein forms V136L.
Identifiers: ClinVar variation 4838613 (VCV004838613.1).